The following is an entry in ClinVar:

ClinVar aggregate classification (germline): Pathogenic (1 of 4 stars; one submission).

Conditions:
Hereditary spastic paraplegia 4. Also called: Familial spastic paraplegia autosomal dominant 2; Spastic paraplegia 4, autosomal dominant; Spastic Paraplegia 4. Identifiers: Orphanet 100985, MedGen C1866855, MONDO:0008438, OMIM 182601.

Submission:

Labcorp Genetics (formerly Invitae), Labcorp
Classification: Pathogenic for Hereditary spastic paraplegia 4. Last evaluated: 2025-09-28. Review status: criteria provided, single submitter. Criteria: Invitae Variant Classification Sherloc (09022015). Collection method: clinical testing. Allele origin: germline.
Comment: This sequence change is expected to alter the c-terminus of the SPAST protein (p.Gly612Trpfs*19). While this is not anticipated to result in nonsense mediated decay, it is expected to disrupt the last 5 amino acid(s) of the SPAST protein and extend the protein by 13 additional amino acid residues. This variant is not present in population databases (gnomAD no frequency). This variant has not been reported in the literature in individuals affected with SPAST-related conditions. This variant disrupts a region of the SPAST protein in which other variant(s) (p.Thr615Ile) have been determined to be pathogenic (PMID: 12124993; internal data). This suggests that this is a clinically significant region of the protein, and that variants that disrupt it are likely to be disease-causing. For these reasons, this variant has been classified as Pathogenic.

Literature cited by the submitters: PubMed 12124993.

NM_014946.4(SPAST):c.1833dup (p.Gly612fs)

Gene: SPAST (spastin; plus strand). Cytogenetic location: 2p22.3.
Variant type: Duplication.
Coding change: c.1833dup on transcript NM_014946.4 (MANE Select); coding-DNA position 1833, one base duplicated (T; older notation c.1833dupT).
Protein change: p.Gly612fs; shifts the reading frame from glycine 612.
Molecular consequence: frameshift variant. On other transcripts: 3 prime UTR variant (1).
Genome position (GRCh38, 1-based): chr2:32,154,478, T duplicated; the last of 3 consecutive T bases (chr2:32,154,476-32,154,478); duplicating any one gives the same sequence. VCF-style (leftmost placement, unchanged base first): chr2-32154475-C-CT. GRCh37 (hg19) VCF-style: chr2-32379544-C-CT.
Other names: c.1830dup, p.Gly611fs (NM_001363823.2); c.1734dup, p.Gly579fs (NM_001363875.2); c.*106dup (NM_001377959.1); c.1737dup, p.Gly580fs (NM_199436.2); short protein forms G579fs, G580fs, G612fs, G611fs.
Identifiers: ClinVar variation 4728002 (VCV004728002.1).